The following is an entry in ClinVar:

NM_017837.4(PIGV):c.126_127del (p.Pro43fs)

Gene: PIGV (phosphatidylinositol glycan anchor biosynthesis class V; plus strand). Cytogenetic location: 1p36.11.
Variant type: Microsatellite.
Coding change: c.126_127del on transcript NM_017837.4 (MANE Select); coding-DNA positions 126 to 127, 2 bases deleted (TC; older notation c.126_127delTC).
Protein change: p.Pro43fs; shifts the reading frame from proline 43.
Molecular consequence: frameshift variant. On other transcripts: 5 prime UTR variant (1), non-coding transcript variant (2), intron variant (1).
Genome position (GRCh38, 1-based): chr1:26,794,160-26,794,161, TC deleted; deleting any 2 consecutive bases within chr1:26,794,156-26,794,161 gives the same sequence; the c. name uses the placement nearest the transcript's 3' end. VCF-style (leftmost placement, unchanged base first): chr1-26794155-TTC-T. GRCh37 (hg19) VCF-style: chr1-27120646-TTC-T.
Other names: c.126_127del, p.Pro43fs (NM_001374478.1, NM_001374480.1, NM_001374481.1 and 4 more transcripts); c.-260TC[2] (NM_001374483.1); c.78+3263TC[2] (NM_001374486.1); short protein forms P43fs.
Identifiers: ClinVar variation 1419807 (VCV001419807.6), dbSNP rs2124193130, ClinGen allele CA2580611432.

ClinVar aggregate classification (germline): Uncertain significance (1 of 4 stars; one submission).

Submission:

Labcorp Genetics (formerly Invitae), Labcorp
Classification: Uncertain significance. Last evaluated: 2022-08-23. Review status: criteria provided, single submitter. Criteria: Invitae Variant Classification Sherloc (09022015). Collection method: clinical testing. Allele origin: germline.
Comment: This sequence change creates a premature translational stop signal (p.Pro43Serfs*26) in the PIGV gene. It is expected to result in an absent or disrupted protein product. However, the current clinical and genetic evidence is not sufficient to establish whether loss-of-function variants in PIGV cause disease. This variant is not present in population databases (gnomAD no frequency). This variant has not been reported in the literature in individuals affected with PIGV-related conditions. In summary, the available evidence is currently insufficient to determine the role of this variant in disease. Therefore, it has been classified as a Variant of Uncertain Significance.